The following is an entry in ClinVar:

NM_001365951.3(KIF1B):c.965A>G (p.Asn322Ser)

Gene: KIF1B (kinesin family member 1B; plus strand). Cytogenetic location: 1p36.22.
Variant type: single nucleotide variant.
Coding change: c.965A>G on transcript NM_001365951.3 (MANE Select); coding-DNA position 965, A replaced by G.
Protein change: p.Asn322Ser; replaces asparagine 322 with serine.
Molecular consequence: missense variant.
Genome position (GRCh38, 1-based): chr1:10,276,327, A>G. VCF-style: chr1-10276327-A-G. GRCh37 (hg19) VCF-style: chr1-10336385-A-G.
Other names: c.965A>G, p.Asn322Ser (NM_001365952.1); c.947A>G, p.Asn316Ser (NM_001365953.1, NM_015074.3, NM_183416.4); short protein forms N322S, N316S.
Identifiers: ClinVar variation 1522052 (VCV001522052.7), dbSNP rs2102222233, ClinGen allele CA338332778.

ClinVar aggregate classification (germline): Uncertain significance. Review status: criteria provided, multiple submitters, no conflicts (2 of 4 stars). 2 submissions from 2 submitters: Uncertain significance (2). Last evaluated 2025-11-24.

Conditions:
Charcot-Marie-Tooth disease type 2. Also called: Charcot-Marie-Tooth type 2. Identifiers: Orphanet 64746, MedGen C0270914, MONDO:0018993.

Allele frequency attached by ClinVar (database versions not stated): gnomAD exomes below 0.00001.
gnomAD v4.1: 2 of 1,613,432 alleles (0.00012%); highest among the groups gnomAD compares: Non-Finnish European, 0.00017%; no homozygotes.

Submissions (2):

Labcorp Genetics (formerly Invitae), Labcorp
Classification: Uncertain significance for Charcot-Marie-Tooth disease type 2. Last evaluated: 2025-11-24. Review status: criteria provided, single submitter. Criteria: Invitae Variant Classification Sherloc (09022015). Collection method: clinical testing. Allele origin: germline.
Comment: This sequence change replaces asparagine, which is neutral and polar, with serine, which is neutral and polar, at codon 316 of the KIF1B protein (p.Asn316Ser). This variant is not present in population databases (gnomAD no frequency). This variant has not been reported in the literature in individuals affected with KIF1B-related conditions. ClinVar contains an entry for this variant (Variation ID: 1522052). Invitae Evidence Modeling of protein sequence and biophysical properties (such as structural, functional, and spatial information, amino acid conservation, physicochemical variation, residue mobility, and thermodynamic stability) indicates that this missense variant is expected to disrupt KIF1B protein function with a positive predictive value of 80%. In summary, the available evidence is currently insufficient to determine the role of this variant in disease. Therefore, it has been classified as a Variant of Uncertain Significance.

Ambry Genetics
Classification: Uncertain significance. Last evaluated: 2024-04-26. Review status: criteria provided, single submitter. Criteria: Ambry Variant Classification Scheme 2023. Collection method: clinical testing. Allele origin: germline.
Comment: The p.N316S variant (also known as c.947A>G), located in coding exon 10 of the KIF1B gene, results from an A to G substitution at nucleotide position 947. The asparagine at codon 316 is replaced by serine, an amino acid with highly similar properties. This amino acid position is conserved. In addition, the in silico prediction for this alteration is inconclusive. Based on the available evidence, the clinical significance of this variant remains unclear.